The following is an entry in ClinVar:

NM_001042492.3(NF1):c.4430+2T>G

Gene: NF1 (neurofibromin 1; plus strand). Cytogenetic location: 17q11.2.
Variant type: single nucleotide variant.
Coding change: c.4430+2T>G on transcript NM_001042492.3 (MANE Select); the canonical splice donor site of the intron after coding-DNA position 4430, T replaced by G.
Molecular consequence: splice donor variant.
Genome position (GRCh38, 1-based): chr17:31,259,131, T>G. VCF-style: chr17-31259131-T-G. GRCh37 (hg19) VCF-style: chr17-29586149-T-G.
Other names: c.4367+2T>G (NM_000267.4).
Identifiers: ClinVar variation 449930 (VCV000449930.2), dbSNP rs1555618693, ClinGen allele CA398999023.
Genomic context (GRCh38, chr17:31,259,131, plus strand): 5'-GAAGAACATATGCGGCCTTTCAATGATTTTGTGAAAAGCAACTTTGATGCAGCACGCAGG[T>G]AATTTTCTTGCCACTTACTCAGTTGCTCTGTTTGAATCAAATATTTTCGGTTTCACATAA-3'

ClinVar aggregate classification (germline): Pathogenic (1 of 4 stars; one submission).

Submission:

GeneDx
Classification: Pathogenic. Last evaluated: 2017-04-28. Review status: criteria provided, single submitter. Criteria: GeneDx Variant Classification (06012015). Collection method: clinical testing. Allele origin: germline. Affected: yes.
Comment: The c.4367+2 T>G splice site variant in the NF1 gene destroys the canonical splice donor site in intron 32. It ispredicted to cause abnormal gene splicing, either leading to an abnormal message that is subject to nonsense-mediatedmRNA decay, or to an abnormal protein product if the message is used for protein translation. c.4367+2 T>G is notobserved in large population cohorts (Lek et al., 2016; 1000 Genomes Consortium et al., 2015; Exome VariantServer). Although this pathogenic variant has not been previously reported to our knowledge, its presence isconsistent with a diagnosis of NF1